The following is an entry in ClinVar:

NM_025099.6(CTC1):c.1554C>T (p.Gly518=)

Gene: CTC1 (CST telomere replication complex component 1; minus strand). Cytogenetic location: 17p13.1.
Variant type: single nucleotide variant.
Coding change: c.1554C>T on transcript NM_025099.6 (MANE Select); coding-DNA position 1554, C replaced by T.
Protein change: p.Gly518=; no amino-acid change (glycine 518 retained).
Molecular consequence: synonymous variant. On other transcripts: non-coding transcript variant (1).
Genome position (GRCh38, 1-based): chr17:8,234,812, G>A on the plus strand (C>T on the coding strand, the complement: CTC1 is on the minus strand). VCF-style: chr17-8234812-G-A. GRCh37 (hg19) VCF-style: chr17-8138130-G-A.
Other names: c.1554C>T, p.Gly518= (NM_001411067.1).
Identifiers: ClinVar variation 2797647 (VCV002797647.3), dbSNP rs1987559192, ClinGen allele CA497959447.
Genomic context (GRCh38, chr17:8,234,812, plus strand): 5'-CTGGAGGGGACAGTGATGTGGCTCTTCAAGGATCTCATTGTGTGCATTCCGAACAGGGCT[G>A]CCTGGCGGAGCTAGAAGATCCAGGGTAGGAGCCAGGAGTTGCAGTCCCAGGCTGGGGCTC-3'
Protein context (NP_079375.3, residues 508-528): APTLDLLAPP[Gly518=]SPVRNAHNEI

ClinVar aggregate classification (germline): Uncertain significance (1 of 4 stars; one submission).

Conditions:
Dyskeratosis congenita. Identifiers: Orphanet 1775, MedGen C0265965, MONDO:0015780.

Allele frequency attached by ClinVar (database versions not stated): TOPMed below 0.00001.

Submission:

Labcorp Genetics (formerly Invitae), Labcorp
Classification: Uncertain significance for Dyskeratosis congenita. Last evaluated: 2023-08-06. Review status: criteria provided, single submitter. Criteria: Invitae Variant Classification Sherloc (09022015). Collection method: clinical testing. Allele origin: germline.
Comment: This variant has not been reported in the literature in individuals affected with CTC1-related conditions. This sequence change affects codon 518 of the CTC1 mRNA. It is a 'silent' change, meaning that it does not change the encoded amino acid sequence of the CTC1 protein. This variant is not present in population databases (gnomAD no frequency). Algorithms developed to predict the effect of sequence changes on RNA splicing suggest that this variant may disrupt the consensus splice site. In summary, the available evidence is currently insufficient to determine the role of this variant in disease. Therefore, it has been classified as a Variant of Uncertain Significance.